The following is an entry in ClinVar:

ClinVar aggregate classification (germline): Pathogenic (1 of 4 stars; one submission).

Conditions:
Muscular dystrophy-dystroglycanopathy (congenital with impaired intellectual development), type B, 2. Also called: MUSCULAR DYSTROPHY, CONGENITAL, POMT2-RELATED; Muscular dystrophy-dystroglycanopathy (congenital with intellectual disability), type B2. Identifiers: MedGen C3150416, MONDO:0013160, OMIM 613156.
Muscular dystrophy-dystroglycanopathy (congenital with brain and eye anomalies), type A2. Also called: MUSCULAR DYSTROPHY-DYSTROGLYCANOPATHY (CONGENITAL WITH BRAIN AND EYE ANOMALIES), TYPE A, 2; WALKER-WARBURG SYNDROME OR MUSCLE-EYE-BRAIN DISEASE, POMT2-RELATED. Identifiers: Orphanet 588, Orphanet 899, MedGen C3150411, MONDO:0013154, OMIM 613150.
Autosomal recessive limb-girdle muscular dystrophy type 2N. Also called: MUSCULAR DYSTROPHY-DYSTROGLYCANOPATHY, LIMB-GIRDLE, POMT2-RELATED; Muscular dystrophy-dystroglycanopathy (limb-girdle), type C, 2. Identifiers: Orphanet 206559, MedGen C3150418, MONDO:0013162, OMIM 613158.

Submission:

Labcorp Genetics (formerly Invitae), Labcorp
Classification: Pathogenic for Muscular dystrophy-dystroglycanopathy (congenital with impaired intellectual development), type B, 2; Muscular dystrophy-dystroglycanopathy (congenital with brain and eye anomalies), type A2; Autosomal recessive limb-girdle muscular dystrophy type 2N. Last evaluated: 2023-08-28. Review status: criteria provided, single submitter. Criteria: Invitae Variant Classification Sherloc (09022015). Collection method: clinical testing. Allele origin: germline.
Comment: This sequence change creates a premature translational stop signal (p.Leu128Cysfs*17) in the POMT2 gene. It is expected to result in an absent or disrupted protein product. Loss-of-function variants in POMT2 are known to be pathogenic (PMID: 15894594). This variant is not present in population databases (gnomAD no frequency). For these reasons, this variant has been classified as Pathogenic. Algorithms developed to predict the effect of sequence changes on RNA splicing suggest that this variant may disrupt the consensus splice site. This variant has not been reported in the literature in individuals affected with POMT2-related conditions.

Literature cited by the submitters: PubMed 15894594.

NM_013382.7(POMT2):c.383del (p.Leu128fs)

Gene: POMT2 (protein O-mannosyltransferase 2; minus strand). Cytogenetic location: 14q24.3.
Variant type: Deletion.
Coding change: c.383del on transcript NM_013382.7 (MANE Select); coding-DNA position 383, one base deleted (T; older notation c.383delT).
Protein change: p.Leu128fs; shifts the reading frame from leucine 128.
Molecular consequence: frameshift variant.
Genome position (GRCh38, 1-based): chr14:77,306,392, A deleted on the plus strand (T on the coding strand, the reverse complement: POMT2 is on the minus strand); the first of 5 consecutive A bases (chr14:77,306,392-77,306,396); deleting any one gives the same sequence. VCF-style (leftmost placement, unchanged base first): chr14-77306391-CA-C. GRCh37 (hg19) VCF-style: chr14-77772734-CA-C.
Other names: short protein forms L128fs.
Identifiers: ClinVar variation 2951335 (VCV002951335.3), dbSNP rs2503308679, ClinGen allele CA2625847722.